The following is an entry in ClinVar:

NM_000083.3(CLCN1):c.1247G>A (p.Gly416Glu)

Gene: CLCN1 (chloride voltage-gated channel 1; plus strand). Cytogenetic location: 7q34.
Variant type: single nucleotide variant.
Coding change: c.1247G>A on transcript NM_000083.3 (MANE Select); coding-DNA position 1247, G replaced by A.
Protein change: p.Gly416Glu; replaces glycine 416 with glutamic acid.
Molecular consequence: missense variant. On other transcripts: non-coding transcript variant (1).
Genome position (GRCh38, 1-based): chr7:143,332,499, G>A. VCF-style: chr7-143332499-G-A. GRCh37 (hg19) VCF-style: chr7-143029592-G-A.
Other names: short protein forms G416E.
Identifiers: ClinVar variation 862321 (VCV000862321.13), dbSNP rs1360333956, ClinGen allele CA369643606.

ClinVar aggregate classification (germline): Pathogenic/Likely pathogenic. Review status: criteria provided, multiple submitters, no conflicts (2 of 4 stars). 3 submissions from 3 submitters: Pathogenic (1); Likely pathogenic (2). Last evaluated 2025-09-17.

Conditions:
Congenital myotonia, autosomal dominant form (THD). Also called: THOMSEN DISEASE; Myotonia congenita autosomal dominant. Identifiers: Orphanet 614, MedGen C2936781, MONDO:0008055, OMIM 160800.
Congenital myotonia, autosomal recessive form. Also called: Becker Generalized Myotonia; myotonia congenita, autosomal recessive; BECKER DISEASE. Identifiers: Orphanet 614, MedGen C0751360, MONDO:0009715, OMIM 255700.

Allele frequency attached by ClinVar (database versions not stated): gnomAD exomes 0.00001.
gnomAD v4.1: 4 of 1,613,268 alleles (0.00025%); highest among the groups gnomAD compares: East Asian, 0.0022%; no homozygotes.

Submissions (3):

3billion
Classification: Likely pathogenic for Congenital myotonia, autosomal recessive form. Last evaluated: 2025-09-17. Review status: criteria provided, single submitter. Criteria: ACMG Guidelines, 2015. Collection method: clinical testing. Allele origin: germline. Affected: yes.
Comment: The variant is observed at an extremely low frequency in the gnomAD v4.1.0 dataset (total allele frequency: <0.001%). Predicted Consequence/Location: Missense variant In silico tool predictions suggest damaging effect of the variant on gene or gene product [REVEL: 0.96 (>=0.6, sensitivity 0.68 and specificity 0.92); 3Cnet: 0.99 (> 0.75, sensitivity 0.96 and precision 0.92)]. The same nucleotide change resulting in the same amino acid change has been previously reported as pathogenic/likely pathogenic with strong evidence (ClinVar ID: VCV000862321 /PMID: 22094069). A different missense change at the same codon (p.Gly416Arg) has been reported to be associated with CLCN1-related disorder (ClinVar ID: VCV003752194). Therefore, this variant is classified as Likely pathogenic according to the recommendation of ACMG/AMP guideline.

Women's Health and Genetics/Laboratory Corporation of America, LabCorp
Classification: Likely pathogenic for Congenital myotonia, autosomal recessive form. Last evaluated: 2024-09-18. Review status: criteria provided, single submitter. Criteria: LabCorp Variant Classification Summary - May 2015. Collection method: clinical testing. Allele origin: germline.
Comment: Variant summary: CLCN1 c.1247G>A (p.Gly416Glu) results in a non-conservative amino acid change in the encoded protein sequence. Five of five in-silico tools predict a damaging effect of the variant on protein function. The variant allele was found at a frequency of 8e-06 in 251470 control chromosomes. c.1247G>A has been reported in the literature in at-least two unrelated individuals affected with Myotonia congenita (Mazon_2012, Milla_2019). These data indicate that the variant may be associated with disease. At least one publication reports experimental evidence evaluating an impact on protein function. The most pronounced variant effect results in leak and capacitive currents in HEK cells (Mazon_2012). The following publications have been ascertained in the context of this evaluation (PMID: 22094069, 31544778).ClinVar contains an entry for this variant (Variation ID: 862321). Based on the evidence outlined above, the variant was classified as likely pathogenic.

Labcorp Genetics (formerly Invitae), Labcorp
Classification: Pathogenic for Congenital myotonia, autosomal recessive form; Congenital myotonia, autosomal dominant form. Last evaluated: 2023-08-17. Review status: criteria provided, single submitter. Criteria: Invitae Variant Classification Sherloc (09022015). Collection method: clinical testing. Allele origin: germline.
Comment: For these reasons, this variant has been classified as Pathogenic. Algorithms developed to predict the effect of sequence changes on RNA splicing suggest that this variant may create or strengthen a splice site. Experimental studies have shown that this missense change affects CLCN1 function (PMID: 22094069). Advanced modeling of protein sequence and biophysical properties (such as structural, functional, and spatial information, amino acid conservation, physicochemical variation, residue mobility, and thermodynamic stability) performed at Invitae indicates that this missense variant is expected to disrupt CLCN1 protein function. ClinVar contains an entry for this variant (Variation ID: 862321). This missense change has been observed in individual(s) with autosomal recessive myotonia congenita (PMID: 22094069; Invitae). In at least one individual the data is consistent with being in trans (on the opposite chromosome) from a pathogenic variant. This variant is present in population databases (no rsID available, gnomAD 0.006%). This sequence change replaces glycine, which is neutral and non-polar, with glutamic acid, which is acidic and polar, at codon 416 of the CLCN1 protein (p.Gly416Glu).

Literature cited by the submitters: PubMed 22094069 (cited by 3 submitters); PubMed 31544778 (cited by Women's Health and Genetics/Laboratory Corporation of America, LabCorp).